The following is an entry in ClinVar:

NM_006269.2(RP1):c.2915A>G (p.Asn972Ser)

Gene: RP1 (RP1 axonemal microtubule associated; plus strand). Cytogenetic location: 8q12.1.
Variant type: single nucleotide variant.
Coding change: c.2915A>G on transcript NM_006269.2 (MANE Select); coding-DNA position 2915, A replaced by G.
Protein change: p.Asn972Ser; replaces asparagine 972 with serine.
Molecular consequence: missense variant. On other transcripts: intron variant (1).
Genome position (GRCh38, 1-based): chr8:54,626,797, A>G. VCF-style: chr8-54626797-A-G. GRCh37 (hg19) VCF-style: chr8-55539357-A-G.
Other names: c.787+4509A>G (NM_001375654.1); short protein forms N972S.
Identifiers: ClinVar variation 1502702 (VCV001502702.6), dbSNP rs369791590, ClinGen allele CA4751607.

ClinVar aggregate classification (germline): Uncertain significance (1 of 4 stars; one submission).

Allele frequency attached by ClinVar (database versions not stated): gnomAD exomes below 0.00001; TOPMed 0.00001; gnomAD 0.00002; ESP Exome Variant Server 0.00008.
gnomAD v4.1: 7 of 1,613,680 alleles (0.00043%); highest among the groups gnomAD compares: African/African-American, 0.008%; no homozygotes.

Submission:

Labcorp Genetics (formerly Invitae), Labcorp
Classification: Uncertain significance. Last evaluated: 2025-03-03. Review status: criteria provided, single submitter. Criteria: Invitae Variant Classification Sherloc (09022015). Collection method: clinical testing. Allele origin: germline.
Comment: This sequence change replaces asparagine, which is neutral and polar, with serine, which is neutral and polar, at codon 972 of the RP1 protein (p.Asn972Ser). This variant is present in population databases (rs369791590, gnomAD 0.008%). This variant has not been reported in the literature in individuals affected with RP1-related conditions. ClinVar contains an entry for this variant (Variation ID: 1502702). An algorithm developed to predict the effect of missense changes on protein structure and function outputs the following: PolyPhen-2: "Benign". The serine amino acid residue is found in multiple mammalian species, which suggests that this missense change does not adversely affect protein function. In summary, the available evidence is currently insufficient to determine the role of this variant in disease. Therefore, it has been classified as a Variant of Uncertain Significance.